The following is an entry in ClinVar:

NM_144973.4(DENND5B):c.1939C>G (p.Gln647Glu)

Gene: DENND5B (DENN domain containing 5B; minus strand). Cytogenetic location: 12p11.21.
Variant type: single nucleotide variant.
Coding change: c.1939C>G on transcript NM_144973.4 (MANE Select); coding-DNA position 1939, C replaced by G.
Protein change: p.Gln647Glu; replaces glutamine 647 with glutamic acid.
Molecular consequence: missense variant.
Genome position (GRCh38, 1-based): chr12:31,442,848, G>C on the plus strand (C>G on the coding strand, the complement: DENND5B is on the minus strand). VCF-style: chr12-31442848-G-C. GRCh37 (hg19) VCF-style: chr12-31595782-G-C.
Other names: c.2044C>G, p.Gln682Glu (NM_001308339.2); c.2005C>G, p.Gln669Glu (NM_001366890.1); short protein forms Q669E, Q647E, Q682E.
Identifiers: ClinVar variation 4713240 (VCV004713240.1).

ClinVar aggregate classification (germline): Uncertain significance (1 of 4 stars; one submission).

gnomAD v4.1: 2 of 1,612,956 alleles (0.00012%); highest among the groups gnomAD compares: African/African-American, 0.0027%; no homozygotes.

Submission:

Labcorp Genetics (formerly Invitae), Labcorp
Classification: Uncertain significance. Last evaluated: 2025-02-18. Review status: criteria provided, single submitter. Criteria: Invitae Variant Classification Sherloc (09022015). Collection method: clinical testing. Allele origin: germline.
Comment: This sequence change replaces glutamine, which is neutral and polar, with glutamic acid, which is acidic and polar, at codon 647 of the DENND5B protein (p.Gln647Glu). The frequency data for this variant in the population databases is considered unreliable, as metrics indicate poor data quality at this position in the gnomAD database. This variant has not been reported in the literature in individuals affected with DENND5B-related conditions. An algorithm developed to predict the effect of missense changes on protein structure and function (PolyPhen-2) suggests that this variant is likely to be tolerated. In summary, the available evidence is currently insufficient to determine the role of this variant in disease. Therefore, it has been classified as a Variant of Uncertain Significance.